The following is an entry in ClinVar:

ClinVar aggregate classification (germline): Uncertain significance (1 of 4 stars; one submission).

Conditions:
Glycine encephalopathy. Also called: Nonketotic hyperglycinemia; Non-ketotic hyperglycinemia. Identifiers: Orphanet 407, MedGen C0751748, MONDO:0011612, HP:0008288.

Allele frequency attached by ClinVar (database versions not stated): gnomAD 0.00002; TOPMed 0.00002.
gnomAD v4.1: 4 of 1,614,052 alleles (0.00025%); highest among the groups gnomAD compares: African/African-American, 0.004%; no homozygotes.

Submission:

Labcorp Genetics (formerly Invitae), Labcorp
Classification: Uncertain significance for Glycine encephalopathy. Last evaluated: 2022-01-14. Review status: criteria provided, single submitter. Criteria: Invitae Variant Classification Sherloc (09022015). Collection method: clinical testing. Allele origin: germline.
Comment: This sequence change replaces alanine, which is neutral and non-polar, with glycine, which is neutral and non-polar, at codon 683 of the GLDC protein (p.Ala683Gly). This variant is not present in population databases (gnomAD no frequency). This variant has not been reported in the literature in individuals affected with GLDC-related conditions. Advanced modeling of protein sequence and biophysical properties (such as structural, functional, and spatial information, amino acid conservation, physicochemical variation, residue mobility, and thermodynamic stability) performed at Invitae indicates that this missense variant is not expected to disrupt GLDC protein function. In summary, the available evidence is currently insufficient to determine the role of this variant in disease. Therefore, it has been classified as a Variant of Uncertain Significance.

NM_000170.3(GLDC):c.2048C>G (p.Ala683Gly)

Gene: GLDC (glycine decarboxylase; minus strand). Cytogenetic location: 9p24.1.
Variant type: single nucleotide variant.
Coding change: c.2048C>G on transcript NM_000170.3 (MANE Select); coding-DNA position 2048, C replaced by G.
Protein change: p.Ala683Gly; replaces alanine 683 with glycine.
Molecular consequence: missense variant.
Genome position (GRCh38, 1-based): chr9:6,558,563, G>C on the plus strand (C>G on the coding strand, the complement: GLDC is on the minus strand). VCF-style: chr9-6558563-G-C. GRCh37 (hg19) VCF-style: chr9-6558563-G-C.
Other names: short protein forms A683G.
Identifiers: ClinVar variation 1380919 (VCV001380919.5), dbSNP rs1324189699, ClinGen allele CA372881810.